The following is an entry in ClinVar:

NM_033056.4(PCDH15):c.4482_4506dup (p.Lys1503delinsValSerSerCysArgArgIleThrTer)

Gene: PCDH15 (protocadherin related 15; minus strand). Cytogenetic location: 10q21.1.
Variant type: Duplication.
Coding change: c.4482_4506dup on transcript NM_033056.4 (MANE Plus Clinical); coding-DNA positions 4482 to 4506, 25 bases duplicated (GTCAGCTCATGTAGACGGATCACTT).
Protein change: p.Lys1503delinsValSerSerCysArgArgIleThrTer.
Molecular consequence: nonsense. On other transcripts: intron variant (8).
Genome position (GRCh38, 1-based): chr10:53,823,220-53,823,244, AAGTGATCCGTCTACATGAGCTGAC duplicated on the plus strand (GTCAGCTCATGTAGACGGATCACTT on the coding strand, the reverse complement: PCDH15 is on the minus strand). VCF-style (leftmost placement, unchanged base first): chr10-53823219-T-TAAGTGATCCGTCTACATGAGCTGAC. GRCh37 (hg19) VCF-style: chr10-55582979-T-TAAGTGATCCGTCTACATGAGCTGAC.
Other names: c.4367+4149_4367+4173dup (NM_001354420.2, NM_001354429.2); c.4368-3014_4368-2990dup (NM_001384140.1); c.4373+1892_4373+1916dup (NM_001142772.2, NM_001142770.3); c.4388+1892_4388+1916dup (NM_001142771.2); c.4388+4149_4388+4173dup (NM_001354411.2); c.4409+1892_4409+1916dup (NM_001142769.3); c.4413_4437dup, p.Lys1480delinsValSerSerCysArgArgIleThrTer (NM_001142773.2); c.4416_4440dup, p.Lys1481delinsValSerSerCysArgArgIleThrTer (NM_001354404.2); and 6 more.
Identifiers: ClinVar variation 2832412 (VCV002832412.3), dbSNP rs2492412442, ClinGen allele CA2739265384.

ClinVar aggregate classification (germline): Pathogenic (1 of 4 stars; one submission).

Submission:

Labcorp Genetics (formerly Invitae), Labcorp
Classification: Pathogenic. Last evaluated: 2023-02-16. Review status: criteria provided, single submitter. Criteria: Invitae Variant Classification Sherloc (09022015). Collection method: clinical testing. Allele origin: germline.
Comment: This sequence change creates a premature translational stop signal (p.Lys1503Valfs*9) in the PCDH15 gene. While this is not anticipated to result in nonsense mediated decay, it is expected to disrupt the last 453 amino acid(s) of the PCDH15 protein. This variant is not present in population databases (gnomAD no frequency). This variant has not been reported in the literature in individuals affected with PCDH15-related conditions. This variant disrupts a region of the PCDH15 protein in which other variant(s) (p.Val1578Alafs*6) have been determined to be pathogenic (PMID: 33089500). This suggests that this is a clinically significant region of the protein, and that variants that disrupt it are likely to be disease-causing. For these reasons, this variant has been classified as Pathogenic.

Literature cited by the submitters: PubMed 33089500.